The following is an entry in ClinVar:

NM_012216.4(MID2):c.1296C>T (p.Ser432=)

Genes: MID2 (midline 2; plus strand), LOC101928335 (uncharacterized LOC101928335; minus strand). Cytogenetic location: Xq22.3.
Variant type: single nucleotide variant.
Coding change: c.1296C>T on transcript NM_012216.4 (MANE Select); coding-DNA position 1296, C replaced by T.
Protein change: p.Ser432=; no amino-acid change (serine 432 retained).
Molecular consequence: synonymous variant.
Genome position (GRCh38, 1-based): chrX:107,917,600, C>T. VCF-style: chrX-107917600-C-T. GRCh37 (hg19) VCF-style: chrX-107160830-C-T.
Other names: c.1236C>T, p.Ser412= (NM_001382751.1, NM_001382752.1); c.1296C>T, p.Ser432= (NM_052817.3).
Identifiers: ClinVar variation 3061474 (VCV003061474.2), dbSNP rs776063379, ClinGen allele CA10486147.

ClinVar aggregate classification (germline): Likely benign (0 of 4 stars; one submission).

Conditions:
MID2-related disorder. Also called: MID2-related condition.

Allele frequency attached by ClinVar (database versions not stated): ExAC 0.00001; gnomAD exomes 0.00001; gnomAD 0.00002; TOPMed 0.00003.
gnomAD v4.1: 9 of 1,209,395 alleles (0.00074%); highest among the groups gnomAD compares: South Asian, 0.007%; no homozygotes.

Submission:

PreventionGenetics, part of Exact Sciences
Classification: Likely benign for MID2-related condition. Last evaluated: 2021-09-28. Review status: no assertion criteria provided. Collection method: clinical testing. Allele origin: germline.
Comment: This variant is classified as likely benign based on ACMG/AMP sequence variant interpretation guidelines (Richards et al. 2015 PMID: 25741868, with internal and published modifications).